The following is an entry in ClinVar:

NM_013266.4(CTNNA3):c.716A>G (p.Asp239Gly)

Gene: CTNNA3 (catenin alpha 3; minus strand). Cytogenetic location: 10q21.3.
Variant type: single nucleotide variant.
Coding change: c.716A>G on transcript NM_013266.4 (MANE Select); coding-DNA position 716, A replaced by G.
Protein change: p.Asp239Gly; replaces aspartic acid 239 with glycine.
Molecular consequence: missense variant.
Genome position (GRCh38, 1-based): chr10:67,219,734, T>C on the plus strand (A>G on the coding strand, the complement: CTNNA3 is on the minus strand). VCF-style: chr10-67219734-T-C. GRCh37 (hg19) VCF-style: chr10-68979492-T-C.
Other names: c.716A>G, p.Asp239Gly (NM_001127384.3); c.752A>G, p.Asp251Gly (NM_001291133.2); short protein forms D239G, D251G.
Identifiers: ClinVar variation 4657497 (VCV004657497.1).
Genomic context (GRCh38, chr10:67,219,734, plus strand): 5'-ATCCCTTGTGAAGCATTTGAAATTACATTGAGAGCATTCTGAATTTCTTCACAAACTGTG[T>C]CCTTGCTTGCTTTGAGGGAAGCAACATCAGAATGCTCCAAACAAGCTGAACAAATTGAAT-3'
Protein context (NP_037398.2, residues 229-249): SDVASLKASK[Asp239Gly]TVCEEIQNAL

ClinVar aggregate classification (germline): Uncertain significance (1 of 4 stars; one submission).

Submission:

Ambry Genetics
Classification: Uncertain significance. Last evaluated: 2025-12-01. Review status: criteria provided, single submitter. Criteria: Ambry Variant Classification Scheme 2023. Collection method: clinical testing. Allele origin: germline.
Comment: The p.D239G variant (also known as c.716A>G), located in coding exon 5 of the CTNNA3 gene, results from an A to G substitution at nucleotide position 716. The aspartic acid at codon 239 is replaced by glycine, an amino acid with similar properties. This amino acid position is conserved. In addition, the in silico prediction for this alteration is inconclusive. Based on the available evidence, the clinical significance of this variant remains unclear.